The following is an entry in ClinVar:

NM_003590.5(CUL3):c.1256T>G (p.Phe419Cys)

Gene: CUL3 (cullin 3; minus strand). Cytogenetic location: 2q36.2.
Variant type: single nucleotide variant.
Coding change: c.1256T>G on transcript NM_003590.5 (MANE Select); coding-DNA position 1256, T replaced by G.
Protein change: p.Phe419Cys; replaces phenylalanine 419 with cysteine.
Molecular consequence: missense variant.
Genome position (GRCh38, 1-based): chr2:224,503,773, A>C on the plus strand (T>G on the coding strand, the complement: CUL3 is on the minus strand). VCF-style: chr2-224503773-A-C. GRCh37 (hg19) VCF-style: chr2-225368490-A-C.
Other names: c.1058T>G, p.Phe353Cys (NM_001257197.2); c.1274T>G, p.Phe425Cys (NM_001257198.2); short protein forms F353C, F419C, F425C.
Identifiers: ClinVar variation 3251276 (VCV003251276.1), dbSNP rs2469974846.

ClinVar aggregate classification (germline): Uncertain significance (1 of 4 stars; one submission).

Submission:

Women's Health and Genetics/Laboratory Corporation of America, LabCorp
Classification: Uncertain significance. Last evaluated: 2024-04-15. Review status: criteria provided, single submitter. Criteria: LabCorp Variant Classification Summary - May 2015. Collection method: clinical testing. Allele origin: germline.
Comment: Variant summary: CUL3 c.1256T>G (p.Phe419Cys) results in a non-conservative amino acid change located in the Cullin homology domain (IPR016158) of the encoded protein sequence. Five of five in-silico tools predict a damaging effect of the variant on protein function. The variant was absent in 236980 control chromosomes (gnomAD. The available data on variant occurrences in the general population are insufficient to allow any conclusion about variant significance. To our knowledge, no occurrence of c.1256T>G in individuals affected with CUL3-Related Disorders and no experimental evidence demonstrating its impact on protein function have been reported. No submitters have cited clinical-significance assessments for this variant to ClinVar. Based on the evidence outlined above, the variant was classified as uncertain significance.